The following is an entry in ClinVar:

ClinVar aggregate classification (germline): Uncertain significance (1 of 4 stars; one submission).

gnomAD v4.1: 3 of 1,562,030 alleles (0.00019%); highest among the groups gnomAD compares: East Asian, 0.0023%; no homozygotes.

Submission:

Ambry Genetics
Classification: Uncertain significance. Last evaluated: 2025-11-01. Review status: criteria provided, single submitter. Criteria: Ambry Variant Classification Scheme 2023. Collection method: clinical testing. Allele origin: germline.
Comment: The p.R1178H variant (also known as c.3533G>A), located in coding exon 14 of the WNK2 gene, results from a G to A substitution at nucleotide position 3533. The arginine at codon 1178 is replaced by histidine, an amino acid with highly similar properties. This amino acid position is conserved. In addition, the in silico prediction for this alteration is inconclusive. Based on the available evidence, the clinical significance of this variant remains unclear.

NM_006648.4(WNK2):c.3533G>A (p.Arg1178His)

Gene: WNK2 (WNK lysine deficient protein kinase 2; plus strand). Cytogenetic location: 9q22.31.
Variant type: single nucleotide variant.
Coding change: c.3533G>A on transcript NM_006648.4 (MANE Select); coding-DNA position 3533, G replaced by A.
Protein change: p.Arg1178His; replaces arginine 1178 with histidine.
Molecular consequence: missense variant.
Genome position (GRCh38, 1-based): chr9:93,263,688, G>A. VCF-style: chr9-93263688-G-A. GRCh37 (hg19) VCF-style: chr9-96025970-G-A.
Other names: c.3533G>A, p.Arg1178His (NM_001282394.3); short protein forms R1178H.
Identifiers: ClinVar variation 4605326 (VCV004605326.1).